The following is an entry in ClinVar:

ClinVar aggregate classification (germline): Pathogenic (1 of 4 stars; one submission).

Conditions:
Cardiovascular phenotype. Identifiers: MedGen CN230736.
Hereditary cancer-predisposing syndrome. Also called: Tumor predisposition; Hereditary neoplastic syndrome; Neoplastic Syndromes, Hereditary; Hereditary Cancer Syndrome. Identifiers: Orphanet 140162, MedGen C0027672, MeSH D009386, MONDO:0015356.

Submission:

Ambry Genetics
Classification: Pathogenic for Cardiovascular phenotype; Hereditary cancer-predisposing syndrome. Last evaluated: 2025-05-02. Review status: criteria provided, single submitter. Criteria: Ambry Variant Classification Scheme 2023. Collection method: clinical testing. Allele origin: germline.
Comment: The c.4419dupT pathogenic mutation, located in coding exon 33 of the NF1 gene, results from a duplication of T at nucleotide position 4419, causing a translational frameshift with a predicted alternate stop codon (p.S1474*). This variant was reported in individual(s) with features consistent with neurofibromatosis type 1 (Ambry internal data). This variant is considered to be rare based on population cohorts in the Genome Aggregation Database (gnomAD). This alteration is expected to result in loss of function by premature protein truncation or nonsense-mediated mRNA decay. As such, this alteration is interpreted as a disease-causing mutation.

NM_001042492.3(NF1):c.4482dup (p.Ser1495Ter)

Gene: NF1 (neurofibromin 1; plus strand). Cytogenetic location: 17q11.2.
Variant type: Duplication.
Coding change: c.4482dup on transcript NM_001042492.3 (MANE Select); coding-DNA position 4482, one base duplicated (T; older notation c.4482dupT).
Protein change: p.Ser1495Ter; replaces serine 1495 with a stop codon.
Molecular consequence: nonsense. On other transcripts: frameshift variant (1).
Genome position (GRCh38, 1-based): chr17:31,260,420, T duplicated. VCF-style (leftmost placement, unchanged base first): chr17-31260419-A-AT. GRCh37 (hg19) VCF-style: chr17-29587437-A-AT.
Other names: c.4419dup, p.Ser1474Terfs (NM_000267.4); c.4419dupT (NM_000267.3); short protein forms S1474*, S1495*.
Identifiers: ClinVar variation 4022917 (VCV004022917.1).